The following is an entry in ClinVar:

NM_018723.4(RBFOX1):c.1132G>A (p.Val378Ile)

Gene: RBFOX1 (RNA binding fox-1 homolog 1; plus strand). Cytogenetic location: 16p13.3.
Variant type: single nucleotide variant.
Coding change: c.1132G>A on transcript NM_018723.4 (MANE Select); coding-DNA position 1132, G replaced by A.
Protein change: p.Val378Ile; replaces valine 378 with isoleucine.
Molecular consequence: missense variant. On other transcripts: 3 prime UTR variant (2), intron variant (1).
Genome position (GRCh38, 1-based): chr16:7,710,683, G>A. VCF-style: chr16-7710683-G-A. GRCh37 (hg19) VCF-style: chr16-7760685-G-A.
Other names: c.1051G>A, p.Val351Ile (NM_001142333.2); c.1132G>A, p.Val378Ile (NM_001142334.2); c.*60G>A (NM_001364800.2, NM_145893.3); c.1195G>A, p.Val399Ile (NM_145891.3); c.1135-18G>A (NM_145892.3); short protein forms V378I, V351I, V399I.
Identifiers: ClinVar variation 938391 (VCV000938391.10), dbSNP rs369122393, ClinGen allele CA7892028.

ClinVar aggregate classification (germline): Uncertain significance. Review status: criteria provided, multiple submitters, no conflicts (2 of 4 stars). 2 submissions from 2 submitters: Uncertain significance (2). Last evaluated 2021-08-02.

Conditions:
Idiopathic generalized epilepsy. Also called: EIG; Generalised epilepsy. Identifiers: MedGen C0270850, MONDO:0005579, OMIM 600669.
Inborn genetic diseases. Identifiers: MedGen C0950123, MeSH D030342.

Allele frequency attached by ClinVar (database versions not stated): gnomAD 0.00001; gnomAD exomes 0.00001 and 0.00002; ExAC 0.00002; ESP Exome Variant Server 0.00008; TOPMed 0.00009.
gnomAD v4.1: 23 of 1,613,220 alleles (0.0014%); highest among the groups gnomAD compares: Admixed American, 0.0017%; no homozygotes.

Submissions (2):

Ambry Genetics
Classification: Uncertain significance for Inborn genetic diseases. Last evaluated: 2021-08-02. Review status: criteria provided, single submitter. Criteria: Ambry Variant Classification Scheme 2023. Collection method: clinical testing. Allele origin: germline.

Labcorp Genetics (formerly Invitae), Labcorp
Classification: Uncertain significance for Idiopathic generalized epilepsy. Last evaluated: 2020-12-20. Review status: criteria provided, single submitter. Criteria: Invitae Variant Classification Sherloc (09022015). Collection method: clinical testing. Allele origin: germline.
Comment: This sequence change replaces valine with isoleucine at codon 399 of the RBFOX1 protein (p.Val399Ile). The valine residue is moderately conserved and there is a small physicochemical difference between valine and isoleucine. This variant is present in population databases (rs369122393, ExAC 0.003%). This variant has not been reported in the literature in individuals with RBFOX1-related conditions. Algorithms developed to predict the effect of missense changes on protein structure and function are either unavailable or do not agree on the potential impact of this missense change (SIFT: "Tolerated"; PolyPhen-2: "Probably Damaging"; Align-GVGD: "Class C0"). In summary, the available evidence is currently insufficient to determine the role of this variant in disease. Therefore, it has been classified as a Variant of Uncertain Significance.